The following is an entry in ClinVar:

NM_000237.3(LPL):c.1048dup (p.Ser350fs)

Gene: LPL (lipoprotein lipase; plus strand). Cytogenetic location: 8p21.3.
Variant type: Duplication.
Coding change: c.1048dup on transcript NM_000237.3 (MANE Select); coding-DNA position 1048, one base duplicated (T; older notation c.1048dupT).
Protein change: p.Ser350fs; shifts the reading frame from serine 350.
Molecular consequence: frameshift variant.
Genome position (GRCh38, 1-based): chr8:19,959,289, T duplicated; the last of 5 consecutive T bases (chr8:19,959,285-19,959,289); duplicating any one gives the same sequence. VCF-style (leftmost placement, unchanged base first): chr8-19959284-A-AT. GRCh37 (hg19) VCF-style: chr8-19816795-A-AT.
Other names: short protein forms S350fs.
Identifiers: ClinVar variation 3638649 (VCV003638649.2).

ClinVar aggregate classification (germline): Pathogenic (1 of 4 stars; one submission).

Submission:

Labcorp Genetics (formerly Invitae), Labcorp
Classification: Pathogenic. Last evaluated: 2024-02-03. Review status: criteria provided, single submitter. Criteria: Invitae Variant Classification Sherloc (09022015). Collection method: clinical testing. Allele origin: germline.
Comment: This sequence change creates a premature translational stop signal (p.Ser350Phefs*4) in the LPL gene. It is expected to result in an absent or disrupted protein product. Loss-of-function variants in LPL are known to be pathogenic (PMID: 11334614). This variant is not present in population databases (gnomAD no frequency). This variant has not been reported in the literature in individuals affected with LPL-related conditions. Algorithms developed to predict the effect of sequence changes on RNA splicing suggest that this variant may disrupt the consensus splice site. For these reasons, this variant has been classified as Pathogenic.

Literature cited by the submitters: PubMed 11334614.